The following is an entry in ClinVar:

NM_001130987.2(DYSF):c.1674del (p.Glu559fs)

Gene: DYSF (dysferlin; plus strand). Cytogenetic location: 2p13.2.
Variant type: Deletion.
Coding change: c.1674del on transcript NM_001130987.2 (MANE Select); coding-DNA position 1674, one base deleted (A; older notation c.1674delA).
Protein change: p.Glu559fs; shifts the reading frame from glutamic acid 559.
Molecular consequence: frameshift variant.
Genome position (GRCh38, 1-based): chr2:71,551,138, A deleted. VCF-style (leftmost placement, unchanged base first): chr2-71551137-CA-C. GRCh37 (hg19) VCF-style: chr2-71778267-CA-C.
Other names: c.1623del, p.Glu542fs (NM_001130455.2, NM_001130983.2); c.1578del, p.Glu527fs (NM_001130976.2, NM_001130977.2); c.1620del, p.Glu541fs (NM_001130978.2, NM_003494.4); c.1713del, p.Glu572fs (NM_001130979.2); c.1671del, p.Glu558fs (NM_001130980.2, NM_001130981.2); c.1716del, p.Glu573fs (NM_001130982.2); c.1581del, p.Glu528fs (NM_001130984.2, NM_001130986.2); c.1674del, p.Glu559fs (NM_001130985.2); short protein forms E527fs, E541fs, E558fs, E528fs, E542fs, E559fs, E572fs, E573fs.
Identifiers: ClinVar variation 2124702 (VCV002124702.4), dbSNP rs1303426916, ClinGen allele CA426701173.
Genomic context (GRCh38, chr2:71,551,137, plus strand): 5'-CCTGCTACATCAACCTCTATGGCAGTCCCAGAGAGTTCACAGGCTTCCCAGACCCCTACA[CA>C]GAGCTCAACACAGGCAAGGTAAGCCGGCTGGAGCCCTGGCAAGGGCAGGATGCCAGATGC-3'

ClinVar aggregate classification (germline): Pathogenic (1 of 4 stars; one submission).

Conditions:
Neuromuscular disease caused by qualitative or quantitative defects of dysferlin. Also called: Dysferlinopathy; Qualitative or quantitative defects of dysferlin. Identifiers: Orphanet 207073, MedGen C2931687, MONDO:0016145.

Allele frequency attached by ClinVar (database versions not stated): gnomAD 0.00001.

Submission:

Labcorp Genetics (formerly Invitae), Labcorp
Classification: Pathogenic for Neuromuscular disease caused by qualitative or quantitative defects of dysferlin. Last evaluated: 2022-04-11. Review status: criteria provided, single submitter. Criteria: Invitae Variant Classification Sherloc (09022015). Collection method: clinical testing. Allele origin: germline.
Comment: This sequence change creates a premature translational stop signal (p.Glu541Serfs*86) in the DYSF gene. It is expected to result in an absent or disrupted protein product. Loss-of-function variants in DYSF are known to be pathogenic (PMID: 17698709, 20301480). For these reasons, this variant has been classified as Pathogenic. This variant has not been reported in the literature in individuals affected with DYSF-related conditions. This variant is present in population databases (no rsID available, gnomAD 0.007%).

Literature cited by the submitters: PubMed 17698709; PubMed 20301480.